The following is an entry in ClinVar:

NM_004247.4(EFTUD2):c.2059A>G (p.Met687Val)

Gene: EFTUD2 (elongation factor Tu GTP binding domain containing 2; minus strand). Cytogenetic location: 17q21.31.
Variant type: single nucleotide variant.
Coding change: c.2059A>G on transcript NM_004247.4 (MANE Select); coding-DNA position 2059, A replaced by G.
Protein change: p.Met687Val; replaces methionine 687 with valine.
Molecular consequence: missense variant.
Genome position (GRCh38, 1-based): chr17:44,854,991, T>C on the plus strand (A>G on the coding strand, the complement: EFTUD2 is on the minus strand). VCF-style: chr17-44854991-T-C. GRCh37 (hg19) VCF-style: chr17-42932359-T-C.
Other names: c.1954A>G, p.Met652Val (NM_001142605.2); c.2059A>G, p.Met687Val (NM_001258353.2); c.2029A>G, p.Met677Val (NM_001258354.2); short protein forms M652V, M677V, M687V.
Identifiers: ClinVar variation 2574552 (VCV002574552.1), dbSNP rs2050521828, ClinGen allele CA399844023.

ClinVar aggregate classification (germline): Uncertain significance (1 of 4 stars; one submission).

Allele frequency attached by ClinVar (database versions not stated): TOPMed below 0.00001.
gnomAD v4.1: 1 of 1,614,100 alleles (0.000062%); no homozygotes.

Submission:

GeneDx
Classification: Uncertain significance. Last evaluated: 2023-01-30. Review status: criteria provided, single submitter. Criteria: GeneDx Variant Classification Process June 2021. Collection method: clinical testing. Allele origin: germline. Affected: yes.
Comment: Not observed at significant frequency in large population cohorts (gnomAD); In silico analysis supports that this missense variant has a deleterious effect on protein structure/function; Has not been previously published as pathogenic or benign to our knowledge